The following is an entry in ClinVar:

NM_213607.3(DNAAF19):c.310G>C (p.Asp104His)

Gene: DNAAF19 (dynein axonemal assembly factor 19; plus strand). Cytogenetic location: 17q21.31.
Variant type: single nucleotide variant.
Coding change: c.310G>C on transcript NM_213607.3 (MANE Select); coding-DNA position 310, G replaced by C.
Protein change: p.Asp104His; replaces aspartic acid 104 with histidine.
Molecular consequence: missense variant. On other transcripts: 3 prime UTR variant (1), stop lost (2).
Genome position (GRCh38, 1-based): chr17:44,902,398, G>C. VCF-style: chr17-44902398-G-C. GRCh37 (hg19) VCF-style: chr17-42979766-G-C.
Other names: c.310G>C, p.Asp104His (NM_001258395.2, NM_001258396.2); c.*60G>C (NM_001258397.3); c.311G>C, p.Ter104Ser (NM_001258398.3); c.314G>C, p.Ter105Ser (NM_001258399.2); short protein forms D104H.
Identifiers: ClinVar variation 2415730 (VCV002415730.11), dbSNP rs750876442, ClinGen allele CA399828655.
Genomic context (GRCh38, chr17:44,902,398, plus strand): 5'-ACTCCCTTTCCTTCCTTTGTGGTCCAGGAGAAAGCCCCCCTCCAGCCCGAGACGTCTGCT[G>C]ACTTCTATCGTGATTGGCGACGACACTTGCCAAGTGGGCCAGAGCGCTACCAGGCTCTAC-3'
Protein context (NP_998772.1, residues 94-114): KAPLQPETSA[Asp104His]FYRDWRRHLP

ClinVar aggregate classification (germline): Uncertain significance (1 of 4 stars; one submission).

Conditions:
Primary ciliary dyskinesia. Also called: Ciliary dyskinesia. Identifiers: Orphanet 244, MedGen C0008780, MONDO:0016575, HP:0012265.

Allele frequency attached by ClinVar (database versions not stated): gnomAD 0.00002.
gnomAD v4.1: 4 of 1,614,100 alleles (0.00025%); highest among the groups gnomAD compares: African/African-American, 0.004%; no homozygotes.

Submission:

Labcorp Genetics (formerly Invitae), Labcorp
Classification: Uncertain significance for Primary ciliary dyskinesia. Last evaluated: 2022-05-20. Review status: criteria provided, single submitter. Criteria: Invitae Variant Classification Sherloc (09022015). Collection method: clinical testing. Allele origin: germline.
Comment: This sequence change replaces aspartic acid, which is acidic and polar, with histidine, which is basic and polar, at codon 104 of the CCDC103 protein (p.Asp104His). This variant is present in population databases (no rsID available, gnomAD 0.03%). This variant has not been reported in the literature in individuals affected with CCDC103-related conditions. Algorithms developed to predict the effect of missense changes on protein structure and function are either unavailable or do not agree on the potential impact of this missense change (SIFT: "Deleterious"; PolyPhen-2: "Probably Damaging"; Align-GVGD: "Class C0"). In summary, the available evidence is currently insufficient to determine the role of this variant in disease. Therefore, it has been classified as a Variant of Uncertain Significance.